The following is an entry in ClinVar:

NM_001572.5(IRF7):c.855C>G (p.Ser285Arg)

Gene: IRF7 (interferon regulatory factor 7; minus strand). Cytogenetic location: 11p15.5.
Variant type: single nucleotide variant.
Coding change: c.855C>G on transcript NM_001572.5 (MANE Select); coding-DNA position 855, C replaced by G.
Protein change: p.Ser285Arg; replaces serine 285 with arginine.
Molecular consequence: missense variant.
Genome position (GRCh38, 1-based): chr11:613,588, G>C on the plus strand (C>G on the coding strand, the complement: IRF7 is on the minus strand). VCF-style: chr11-613588-G-C. GRCh37 (hg19) VCF-style: chr11-613588-G-C.
Other names: c.768C>G, p.Ser256Arg (NM_004029.4); c.894C>G, p.Ser298Arg (NM_004031.4); short protein forms S285R, S298R, S256R.
Identifiers: ClinVar variation 2742586 (VCV002742586.3), dbSNP rs538772745, ClinGen allele CA5783650.

ClinVar aggregate classification (germline): Uncertain significance (1 of 4 stars; one submission).

Conditions:
Immunodeficiency 39 (IMD39). Identifiers: Orphanet 574918, MedGen C4225358, MONDO:0014597, OMIM 616345.

Submission:

Labcorp Genetics (formerly Invitae), Labcorp
Classification: Uncertain significance for Immunodeficiency 39. Last evaluated: 2023-12-25. Review status: criteria provided, single submitter. Criteria: Invitae Variant Classification Sherloc (09022015). Collection method: clinical testing. Allele origin: germline.
Comment: This sequence change replaces serine, which is neutral and polar, with arginine, which is basic and polar, at codon 298 of the IRF7 protein (p.Ser298Arg). This variant is present in population databases (rs538772745, gnomAD 0.02%). This missense change has been observed in individual(s) with clinical features of IRF7-related conditions (PMID: 33225392). Advanced modeling of protein sequence and biophysical properties (such as structural, functional, and spatial information, amino acid conservation, physicochemical variation, residue mobility, and thermodynamic stability) performed at Invitae indicates that this missense variant is not expected to disrupt IRF7 protein function with a negative predictive value of 80%. In summary, the available evidence is currently insufficient to determine the role of this variant in disease. Therefore, it has been classified as a Variant of Uncertain Significance.

Literature cited by the submitters: PubMed 33225392.